The following is an entry in ClinVar:

NM_001004334.4(GPR179):c.2197C>T (p.Gln733Ter)

Gene: GPR179 (G protein-coupled receptor 179; minus strand). Cytogenetic location: 17q12.
Variant type: single nucleotide variant.
Coding change: c.2197C>T on transcript NM_001004334.4 (MANE Select); coding-DNA position 2197, C replaced by T.
Protein change: p.Gln733Ter; replaces glutamine 733 with a stop codon.
Molecular consequence: nonsense.
Genome position (GRCh38, 1-based): chr17:38,331,372, G>A on the plus strand (C>T on the coding strand, the complement: GPR179 is on the minus strand). VCF-style: chr17-38331372-G-A. GRCh37 (hg19) VCF-style: chr17-36487255-G-A.
Other names: short protein forms Q733*.
Identifiers: ClinVar variation 1380733 (VCV001380733.3), dbSNP rs2144264579, ClinGen allele CA398883863.
Genomic context (GRCh38, chr17:38,331,372, plus strand): 5'-GGCGGCGGGAGGAGCCGGGCAGGCTGCCGTGGCCTGGGGATCCTGAGTCCCGGGAGTGCT[G>A]CCTGGCCAGGGCCTCGGGGAATTCCGCCAGGTACCTCATGAAGGAGCGGCCCAGTCCCTG-3'

ClinVar aggregate classification (germline): Uncertain significance (1 of 4 stars; one submission).

Submission:

Labcorp Genetics (formerly Invitae), Labcorp
Classification: Uncertain significance. Last evaluated: 2021-09-21. Review status: criteria provided, single submitter. Criteria: Invitae Variant Classification Sherloc (09022015). Collection method: clinical testing. Allele origin: germline.
Comment: This sequence change creates a premature translational stop signal (p.Gln733*) in the GPR179 gene. While this is not anticipated to result in nonsense mediated decay, it is expected to disrupt the last 1635 amino acid(s) of the GPR179 protein. This variant is not present in population databases (ExAC no frequency). This variant has not been reported in the literature in individuals affected with GPR179-related conditions. Experimental studies and prediction algorithms are not available or were not evaluated, and the functional significance of this variant is currently unknown. Algorithms developed to predict the effect of sequence changes on RNA splicing suggest that this variant may create or strengthen a splice site. In summary, the available evidence is currently insufficient to determine the role of this variant in disease. Therefore, it has been classified as a Variant of Uncertain Significance.